The following is an entry in ClinVar:

NM_153717.3(EVC):c.208G>T (p.Glu70Ter)

Gene: EVC (EvC ciliary complex subunit 1; plus strand). Cytogenetic location: 4p16.2.
Variant type: single nucleotide variant.
Coding change: c.208G>T on transcript NM_153717.3 (MANE Select); coding-DNA position 208, G replaced by T.
Protein change: p.Glu70Ter; replaces glutamic acid 70 with a stop codon.
Molecular consequence: nonsense.
Genome position (GRCh38, 1-based): chr4:5,719,281, G>T. VCF-style: chr4-5719281-G-T. GRCh37 (hg19) VCF-style: chr4-5721008-G-T.
Other names: c.208G>T, p.Glu70Ter (NM_001306090.2, NM_001306092.2); short protein forms E70*.
Identifiers: ClinVar variation 4816929 (VCV004816929.1).

ClinVar aggregate classification (germline): Likely pathogenic (1 of 4 stars; one submission).

Conditions:
Ellis-van Creveld syndrome (EVC). Also called: Chondroectodermal dysplasia; EVC-Related Ellis-van Creveld Syndrome; EVC2-Related Ellis-van Creveld Syndrome; MESOECTODERMAL DYSPLASIA. Identifiers: Orphanet 289, MedGen C0013903, MONDO:0009162, OMIM 225500.

Submission:

Natera, Inc.
Classification: Likely pathogenic for Ellis-van Creveld syndrome. Last evaluated: 2025-11-10. Review status: criteria provided, single submitter. Criteria: Natera Variant Classification Schema (03/2026). Collection method: clinical testing. Allele origin: germline.
Comment: The c.208G>T variant in EVC is a nonsense variant predicted to introduce a stop codon at amino acid 70. This variant is expected to result in nonsense mediated decay, truncation, or a dysfunctional protein product. This variant is rare in the general population with a frequency below the threshold expected for the associated phenotype(s). Given the available evidence, this variant is classified as Likely Pathogenic.